The following is an entry in ClinVar:

ClinVar aggregate classification (germline): Pathogenic (1 of 4 stars; one submission).

Conditions:
L1 syndrome. Identifiers: Orphanet 275543, MedGen C5779710, MONDO:0017140.

Submission:

Women's Health and Genetics/Laboratory Corporation of America, LabCorp
Classification: Pathogenic for L1 syndrome. Last evaluated: 2024-01-25. Review status: criteria provided, single submitter. Criteria: LabCorp Variant Classification Summary - May 2015. Collection method: clinical testing. Allele origin: germline.
Comment: Variant summary: L1CAM c.3638delG (p.Gly1213AlafsX44) results in a premature termination codon, predicted to cause a truncation of the encoded protein. At least one pathogenic variant downstream of this position (c.3671C>T p.Ser1224Leu) has been reported in affected individuals and has functional evidence of loss-of-function in the literature (PMIDs: 9744477, 27001749, ClinVar ID:1697985). The current variant was absent in 181645 control chromosomes. To our knowledge, no occurrence of c.3638delG in individuals affected with L1 Syndrome and no experimental evidence demonstrating its impact on protein function have been reported. No submitters have cited clinical-significance assessments for this variant to ClinVar. Based on the evidence outlined above, the variant was classified as pathogenic.

NM_001278116.2(L1CAM):c.3638del (p.Gly1213fs)

Gene: L1CAM (L1 cell adhesion molecule; minus strand). Cytogenetic location: Xq28.
Variant type: Deletion.
Coding change: c.3638del on transcript NM_001278116.2 (MANE Select); coding-DNA position 3638, one base deleted (G; older notation c.3638delG).
Protein change: p.Gly1213fs; shifts the reading frame from glycine 1213.
Molecular consequence: frameshift variant.
Genome position (GRCh38, 1-based): chrX:153,862,799, C deleted on the plus strand (G on the coding strand, the reverse complement: L1CAM is on the minus strand); the first of 5 consecutive C bases (chrX:153,862,799-153,862,803); deleting any one gives the same sequence. VCF-style (leftmost placement, unchanged base first): chrX-153862798-GC-G. GRCh37 (hg19) VCF-style: chrX-153128253-GC-G.
Other names: c.3638del, p.Gly1213fs (NM_000425.5); c.3611del, p.Gly1204fs (NM_001143963.2); c.3626del, p.Gly1209fs (NM_024003.3); c.3638delG (NM_000425.5); short protein forms G1204fs, G1209fs, G1213fs.
Identifiers: ClinVar variation 3063668 (VCV003063668.1), dbSNP rs2520950239, ClinGen allele CA2740090151.
Genomic context (GRCh38, chrX:153,862,798, plus strand): 5'-CTTCTTGCCACTGTACTGGCCAATGAACGAACCATCCTCGTTGAACTGAACATCCACGCT[GC>G]CCCCATAATCGGCCAGGCTGTCGTCACTGCCCAGGGGCTTGATGTCCCCGTTGAGCGATG-3'